The following is an entry in ClinVar:

NM_000186.4(CFH):c.968A>G (p.Lys323Arg)

Gene: CFH (complement factor H; plus strand). Cytogenetic location: 1q31.3.
Variant type: single nucleotide variant.
Coding change: c.968A>G on transcript NM_000186.4 (MANE Select); coding-DNA position 968, A replaced by G.
Protein change: p.Lys323Arg; replaces lysine 323 with arginine.
Molecular consequence: missense variant.
Genome position (GRCh38, 1-based): chr1:196,689,423, A>G. VCF-style: chr1-196689423-A-G. GRCh37 (hg19) VCF-style: chr1-196658553-A-G.
Other names: c.968A>G, p.Lys323Arg (NM_001014975.3); short protein forms K323R.
Identifiers: ClinVar variation 4291339 (VCV004291339.1).

ClinVar aggregate classification (germline): Uncertain significance (1 of 4 stars; one submission).

Conditions:
Atypical hemolytic-uremic syndrome. Identifiers: Orphanet 2134, MedGen C2931788, MONDO:0016244.
Basal laminar drusen. Also called: DRUSEN OF BRUCH MEMBRANE; DRUSEN, CUTICULAR; DRUSEN, EARLY ADULT-ONSET, GROUPED. Identifiers: Orphanet 75376, MedGen C0730295, MONDO:0007472, OMIM 126700.
Factor H deficiency (CFHD). Also called: COMPLEMENT FACTOR H DEFICIENCY; CFH DEFICIENCY. Identifiers: Orphanet 200421, MedGen C0398777, MONDO:0012350, OMIM 609814.
Age related macular degeneration 4. Identifiers: MedGen C1853147, MONDO:0012540, OMIM 610698.

gnomAD v4.1: 1 of 1,612,326 alleles (0.000062%); highest among the groups gnomAD compares: Non-Finnish European, 0.000085%; no homozygotes.

Submission:

Genomenon, Inc
Classification: Uncertain significance for Basal laminar drusen; Age related macular degeneration 4; Atypical hemolytic-uremic syndrome; Factor H deficiency. Last evaluated: 2025-10-02. Review status: criteria provided, single submitter. Criteria: Genomenon Sequence Variant Interpretation Standards - Updated. Collection method: curation. Allele origin: germline. Affected: no.
Comment: CFH p.Lys323Arg (c.968A>G) is a missense variant that changes the amino acid at residue 323 from Lysine to Arginine. This variant has been reported in the published literature (PMID:19273554). It is absent or not present at a significant frequency in gnomAD. In silico models agree that this variant is not damaging. In conclusion, we classify CFH p.Lys323Arg (c.968A>G) as a variant of uncertain significance.

Literature cited by the submitters: PubMed 19273554.